The following is an entry in ClinVar:

NM_000051.4(ATM):c.4585T>C (p.Tyr1529His)

Gene: ATM (ATM serine/threonine kinase; plus strand). Cytogenetic location: 11q22.3.
Variant type: single nucleotide variant.
Coding change: c.4585T>C on transcript NM_000051.4 (MANE Select); coding-DNA position 4585, T replaced by C.
Protein change: p.Tyr1529His; replaces tyrosine 1529 with histidine.
Molecular consequence: missense variant.
Genome position (GRCh38, 1-based): chr11:108,292,767, T>C. VCF-style: chr11-108292767-T-C. GRCh37 (hg19) VCF-style: chr11-108163494-T-C.
Other names: c.4585T>C, p.Tyr1529His (NM_001351834.2); short protein forms Y1529H.
Identifiers: ClinVar variation 2789846 (VCV002789846.3), dbSNP rs2546926174, ClinGen allele CA382533958.

ClinVar aggregate classification (germline): Uncertain significance (1 of 4 stars; one submission).

Conditions:
Ataxia-telangiectasia syndrome (AT). Also called: Ataxia telangiectasia (A-T); Cerebello-oculocutaneous telangiectasia; Immunodeficiency with ataxia telangiectasia; ATAXIA-TELANGIECTASIA, FRESNO VARIANT; LOUIS-BAR SYNDROME; Ataxia-telangiectasia, complementation group D. Identifiers: Orphanet 100, MedGen C0004135, MONDO:0008840, OMIM 208900.

Submission:

Labcorp Genetics (formerly Invitae), Labcorp
Classification: Uncertain significance for Ataxia-telangiectasia syndrome. Last evaluated: 2023-02-02. Review status: criteria provided, single submitter. Criteria: Invitae Variant Classification Sherloc (09022015). Collection method: clinical testing. Allele origin: germline.
Comment: In summary, the available evidence is currently insufficient to determine the role of this variant in disease. Therefore, it has been classified as a Variant of Uncertain Significance. Algorithms developed to predict the effect of missense changes on protein structure and function output the following: SIFT: "Tolerated"; PolyPhen-2: "Benign"; Align-GVGD: "Class C0". The histidine amino acid residue is found in multiple mammalian species, which suggests that this missense change does not adversely affect protein function. This variant has not been reported in the literature in individuals affected with ATM-related conditions. This variant is not present in population databases (gnomAD no frequency). This sequence change replaces tyrosine, which is neutral and polar, with histidine, which is basic and polar, at codon 1529 of the ATM protein (p.Tyr1529His).